The following is an entry in ClinVar:

ClinVar aggregate classification (germline): Conflicting classifications of pathogenicity. Review status: criteria provided, conflicting classifications (1 of 4 stars). 4 submissions from 4 submitters: Uncertain significance (3); Likely benign (1). Last evaluated 2026-03-09.

Conditions:
PLEC-related disorder. Also called: PLEC-related condition; PLEC-related disorders.
Autosomal recessive limb-girdle muscular dystrophy type 2Q (LGMDR17). Also called: MUSCULAR DYSTROPHY, LIMB-GIRDLE, AUTOSOMAL RECESSIVE 17. Identifiers: Orphanet 254361, MedGen C3150989, MONDO:0013390, OMIM 613723.
Epidermolysis bullosa simplex, Ogna type (EBS5A). Also called: Pidermolysis bullosa simplex 5A, Ogna type; EPIDERMOLYSIS BULLOSA SIMPLEX 5A, OGNA TYPE. Identifiers: Orphanet 79401, MedGen C0432317, MONDO:0007555, OMIM 131950.
Epidermolysis bullosa simplex with nail dystrophy (EBS5D). Identifiers: MedGen C4225309, MONDO:0014661, OMIM 616487.
Epidermolysis bullosa simplex 5C, with pyloric atresia (EBS5C). Also called: PLEC1-Related Epidermolysis Bullosa with Pyloric Atresia; PLEC-Related Epidermolysis Bullosa with Pyloric Atresia; Epidermolysis bullosa simplex with pyloric atresia. Identifiers: Orphanet 158684, MedGen C2677349, MONDO:0012807, OMIM 612138.
Epidermolysis bullosa simplex 5B, with muscular dystrophy (EBS5B). Also called: EPIDERMOLYSIS BULLOSA SIMPLEX AND LIMB-GIRDLE MUSCULAR DYSTROPHY; Epidermolysis bullosa simplex with muscular dystrophy. Identifiers: Orphanet 257, MedGen C2931072, MONDO:0009181, OMIM 226670.

Allele frequency attached by ClinVar (database versions not stated): 1000 Genomes Project 0.00040; gnomAD 0.00013; ESP Exome Variant Server 0.00016; TOPMed 0.00023; 1000 Genomes Project 30x 0.00031.
gnomAD v4.1: 317 of 1,613,372 alleles (0.02%); highest among the groups gnomAD compares: South Asian, 0.091%; no homozygotes.

Submissions (4):

PreventionGenetics, part of Exact Sciences
Classification: Uncertain significance for PLEC-related condition. Last evaluated: 2026-03-09. Review status: criteria provided, single submitter. Criteria: ACMG Guidelines, 2015. Collection method: clinical testing. Allele origin: germline.
Comment: The PLEC c.9922G>A variant is predicted to result in the amino acid substitution p.Val3308Met. To our knowledge, this variant has not been reported in the literature. This variant is reported in 0.095% of alleles in individuals of South Asian descent in gnomAD. Although we suspect that this variant may be benign, at this time, the clinical significance of this variant is uncertain due to the absence of conclusive functional and genetic evidence.

Labcorp Genetics (formerly Invitae), Labcorp
Classification: Uncertain significance for Autosomal recessive limb-girdle muscular dystrophy type 2Q; Epidermolysis bullosa simplex, Ogna type; Epidermolysis bullosa simplex with nail dystrophy; Epidermolysis bullosa simplex 5C, with pyloric atresia; Epidermolysis bullosa simplex 5B, with muscular dystrophy. Last evaluated: 2025-12-20. Review status: criteria provided, single submitter. Criteria: Invitae Variant Classification Sherloc (09022015). Collection method: clinical testing. Allele origin: germline.
Comment: This sequence change replaces valine, which is neutral and non-polar, with methionine, which is neutral and non-polar, at codon 3308 of the PLEC protein (p.Val3308Met). This variant is present in population databases (rs202005454, gnomAD 0.09%). This variant has not been reported in the literature in individuals affected with PLEC-related conditions. ClinVar contains an entry for this variant (Variation ID: 423958). An algorithm developed to predict the effect of missense changes on protein structure and function (PolyPhen-2) suggests that this variant is likely to be disruptive. In summary, the available evidence is currently insufficient to determine the role of this variant in disease. Therefore, it has been classified as a Variant of Uncertain Significance.

Revvity Omics, Revvity
Classification: Uncertain significance. Last evaluated: 2025-06-17. Review status: criteria provided, single submitter. Criteria: ACMG Guidelines, 2015. Collection method: clinical testing. Allele origin: germline.

GeneDx
Classification: Likely benign. Last evaluated: 2018-06-20. Review status: criteria provided, single submitter. Criteria: GeneDx Variant Classification Process June 2021. Collection method: clinical testing. Allele origin: germline. Affected: yes.

NM_201384.3(PLEC):c.9841G>A (p.Val3281Met)

Gene: PLEC (plectin; minus strand). Cytogenetic location: 8q24.3.
Variant type: single nucleotide variant.
Coding change: c.9841G>A on transcript NM_201384.3 (MANE Select); coding-DNA position 9841, G replaced by A.
Protein change: p.Val3281Met; replaces valine 3281 with methionine.
Molecular consequence: missense variant.
Genome position (GRCh38, 1-based): chr8:143,919,980, C>T on the plus strand (G>A on the coding strand, the complement: PLEC is on the minus strand). VCF-style: chr8-143919980-C-T. GRCh37 (hg19) VCF-style: chr8-144994148-C-T.
Other names: c.9922G>A, p.Val3308Met (NM_000445.5); c.9799G>A, p.Val3267Met (NM_201378.4); c.9775G>A, p.Val3259Met (NM_201379.3); c.10252G>A, p.Val3418Met (NM_201380.4); c.9745G>A, p.Val3249Met (NM_201381.3); c.9841G>A, p.Val3281Met (NM_201382.4); c.9853G>A, p.Val3285Met (NM_201383.3); short protein forms V3249M, V3259M, V3267M, V3281M, V3285M, V3308M, V3418M.
Identifiers: ClinVar variation 423958 (VCV000423958.53), dbSNP rs202005454, ClinGen allele CA4924832.